The following is an entry in ClinVar:

ClinVar aggregate classification (germline): Likely benign. Review status: criteria provided, multiple submitters, no conflicts (2 of 4 stars). 3 submissions from 3 submitters: Likely benign (3). Last evaluated 2024-09-10.

Conditions:
Hypertrophic cardiomyopathy 11. Also called: ACTC1-Related Familial Hypertrophic Cardiomyopathy. Identifiers: MedGen C2677506, MONDO:0012799, OMIM 612098.
Atrial septal defect 5 (ASD5). Identifiers: Orphanet 1478, MedGen C2748552, MONDO:0013011, OMIM 612794.
Dilated cardiomyopathy 1R (CMD1R). Identifiers: Orphanet 154, Orphanet 54260, MedGen C3150681, MONDO:0013261, OMIM 613424.
Cardiomyopathy (CMYO). Also called: Cardiomyopathies. Identifiers: Orphanet 167848, MedGen C0878544, MONDO:0004994, HP:0001638. Inheritance: Various modes of inheritance.

Allele frequency attached by ClinVar (database versions not stated): gnomAD exomes below 0.00001; ExAC 0.00001; ESP Exome Variant Server 0.00008.
gnomAD v4.1: 3 of 1,611,562 alleles (0.00019%); highest among the groups gnomAD compares: Non-Finnish European, 0.00017%; no homozygotes.

Submissions (3):

Labcorp Genetics (formerly Invitae), Labcorp
Classification: Likely benign for Dilated cardiomyopathy 1R; Hypertrophic cardiomyopathy 11; Atrial septal defect 5. Last evaluated: 2024-09-10. Review status: criteria provided, single submitter. Criteria: Invitae Variant Classification Sherloc (09022015). Collection method: clinical testing. Allele origin: germline.

Color Diagnostics, LLC DBA Color Health
Classification: Likely benign for Cardiomyopathy. Last evaluated: 2019-11-15. Review status: criteria provided, single submitter. Criteria: ACMG Guidelines, 2015. Collection method: clinical testing. Allele origin: germline.

GeneDx
Classification: Likely benign. Last evaluated: 2016-01-06. Review status: criteria provided, single submitter. Criteria: GeneDx Variant Classification (06012015). Collection method: clinical testing. Allele origin: germline. Affected: yes.
Comment: This variant is considered likely benign or benign based on one or more of the following criteria: it is a conservative change, it occurs at a poorly conserved position in the protein, it is predicted to be benign by multiple in silico algorithms, and/or has population frequency not consistent with disease.

NM_005159.5(ACTC1):c.130-15T>G

Genes: GJD2-DT (GJD2 divergent transcript; plus strand), ACTC1 (actin alpha cardiac muscle 1; minus strand). Cytogenetic location: 15q14.
Variant type: single nucleotide variant.
Coding change: c.130-15T>G on transcript NM_005159.5 (MANE Select); 15 bases into the intron before coding-DNA position 130, T replaced by G.
Molecular consequence: intron variant.
Genome position (GRCh38, 1-based): chr15:34,793,584, A>C on the plus strand (T>G on the coding strand, the complement: ACTC1 is on the minus strand). VCF-style: chr15-34793584-A-C. GRCh37 (hg19) VCF-style: chr15-35085785-A-C.
Other names: c.130-15T>G (LRG_388t1).
Identifiers: ClinVar variation 382815 (VCV000382815.10), dbSNP rs376417852, ClinGen allele CA041000.